The following is an entry in ClinVar:

ClinVar aggregate classification (germline): Uncertain significance (1 of 4 stars; one submission).

Conditions:
Rubinstein-Taybi syndrome due to EP300 haploinsufficiency. Also called: EP300-Related Rubinstein-Taybi Syndrome; RUBINSTEIN-TAYBI SYNDROME 2. Identifiers: Orphanet 353284, Orphanet 783, MedGen C3150941, MONDO:0013364, OMIM 613684.

Submission:

Baylor Genetics
Classification: Uncertain significance for Rubinstein-Taybi syndrome due to EP300 haploinsufficiency. Last evaluated: 2017-09-01. Review status: criteria provided, single submitter. Criteria: ACMG Guidelines, 2015. Collection method: clinical testing. Allele origin: de novo. Inheritance: Autosomal dominant inheritance. Affected: yes.

Literature cited by the submitters: PubMed 25326635.

NM_001429.4(EP300):c.3750C>G (p.Cys1250Trp)

Gene: EP300 (EP300 lysine acetyltransferase; plus strand). Cytogenetic location: 22q13.2.
Variant type: single nucleotide variant.
Coding change: c.3750C>G on transcript NM_001429.4 (MANE Select); coding-DNA position 3750, C replaced by G.
Protein change: p.Cys1250Trp; replaces cysteine 1250 with tryptophan.
Molecular consequence: missense variant.
Genome position (GRCh38, 1-based): chr22:41,164,074, C>G. VCF-style: chr22-41164074-C-G. GRCh37 (hg19) VCF-style: chr22-41560078-C-G.
Other names: c.3672C>G, p.Cys1224Trp (NM_001362843.2); short protein forms C1250W, C1224W.
Identifiers: ClinVar variation 561006 (VCV000561006.2), dbSNP rs747187417, ClinGen allele CA411697822.